The following is an entry in ClinVar:

ClinVar aggregate classification (germline): Uncertain significance. Review status: criteria provided, multiple submitters, no conflicts (2 of 4 stars). 2 submissions from 2 submitters: Uncertain significance (2). Last evaluated 2022-12-12.

Allele frequency attached by ClinVar (database versions not stated): gnomAD exomes 0.00005; gnomAD 0.00010; ExAC 0.00012; 1000 Genomes Project 30x 0.00187; 1000 Genomes Project 0.00240.
gnomAD v4.1: 80 of 1,614,126 alleles (0.005%); highest among the groups gnomAD compares: South Asian, 0.086%; no homozygotes.

Submissions (2):

Revvity Omics, Revvity
Classification: Uncertain significance. Last evaluated: 2022-12-12. Review status: criteria provided, single submitter. Criteria: ACMG Guidelines, 2015. Collection method: clinical testing. Allele origin: germline.

Labcorp Genetics (formerly Invitae), Labcorp
Classification: Uncertain significance. Last evaluated: 2021-09-24. Review status: criteria provided, single submitter. Criteria: Invitae Variant Classification Sherloc (09022015). Collection method: clinical testing. Allele origin: germline.
Comment: This sequence change replaces threonine with isoleucine at codon 1666 of the LAMA3 protein (p.Thr1666Ile). The threonine residue is moderately conserved and there is a moderate physicochemical difference between threonine and isoleucine. This variant is present in population databases (rs561309671, ExAC 0.08%). This variant has not been reported in the literature in individuals with LAMA3-related conditions. Algorithms developed to predict the effect of missense changes on protein structure and function are either unavailable or do not agree on the potential impact of this missense change (SIFT: "Tolerated"; PolyPhen-2: "Possibly Damaging"; Align-GVGD: "Class C0"). In summary, the available evidence is currently insufficient to determine the role of this variant in disease. Therefore, it has been classified as a Variant of Uncertain Significance.

NM_198129.4(LAMA3):c.9824C>T (p.Thr3275Ile)

Gene: LAMA3 (laminin subunit alpha 3; plus strand). Cytogenetic location: 18q11.2.
Variant type: single nucleotide variant.
Coding change: c.9824C>T on transcript NM_198129.4 (MANE Select); coding-DNA position 9824, C replaced by T.
Protein change: p.Thr3275Ile; replaces threonine 3275 with isoleucine.
Molecular consequence: missense variant.
Genome position (GRCh38, 1-based): chr18:23,953,077, C>T. VCF-style: chr18-23953077-C-T. GRCh37 (hg19) VCF-style: chr18-21533041-C-T.
Other names: c.4997C>T (NM_000227.5); c.4997C>T, p.Thr1666Ile (NM_000227.6); c.9656C>T, p.Thr3219Ile (NM_001127717.4); c.4829C>T, p.Thr1610Ile (NM_001127718.4); short protein forms T3219I, T1666I, T3275I, T1610I.
Identifiers: ClinVar variation 2150198 (VCV002150198.4), dbSNP rs561309671, ClinGen allele CA8917325.